The following is an entry in ClinVar:

NM_182914.3(SYNE2):c.17150C>G (p.Thr5717Ser)

Gene: SYNE2 (spectrin repeat containing nuclear envelope protein 2; plus strand). Cytogenetic location: 14q23.2.
Variant type: single nucleotide variant.
Coding change: c.17150C>G on transcript NM_182914.3 (MANE Select); coding-DNA position 17150, C replaced by G.
Protein change: p.Thr5717Ser; replaces threonine 5717 with serine.
Molecular consequence: missense variant.
Genome position (GRCh38, 1-based): chr14:64,170,377, C>G. VCF-style: chr14-64170377-C-G. GRCh37 (hg19) VCF-style: chr14-64637095-C-G.
Other names: c.17150C>G (NM_182914.2); c.17150C>G, p.Thr5717Ser (NM_015180.6); short protein forms T5717S.
Identifiers: ClinVar variation 2079581 (VCV002079581.7), dbSNP rs780666104, ClinGen allele CA7223608.

ClinVar aggregate classification (germline): Uncertain significance. Review status: criteria provided, multiple submitters, no conflicts (2 of 4 stars). 2 submissions from 2 submitters: Uncertain significance (2). Last evaluated 2026-01-19.

Conditions:
Emery-Dreifuss muscular dystrophy 5, autosomal dominant (EDMD5). Also called: EMERY-DREIFUSS MUSCULAR DYSTROPHY 5. Identifiers: Orphanet 261, MedGen C2751805, MONDO:0013072, OMIM 612999.

Allele frequency attached by ClinVar (database versions not stated): TOPMed below 0.00001; gnomAD exomes 0.00001; ExAC 0.00002.
gnomAD v4.1: 13 of 1,614,230 alleles (0.00081%); highest among the groups gnomAD compares: Middle Eastern, 0.016%; no homozygotes.

Submissions (2):

Labcorp Genetics (formerly Invitae), Labcorp
Classification: Uncertain significance for Emery-Dreifuss muscular dystrophy 5, autosomal dominant. Last evaluated: 2026-01-19. Review status: criteria provided, single submitter. Criteria: Invitae Variant Classification Sherloc (09022015). Collection method: clinical testing. Allele origin: germline.
Comment: This sequence change replaces threonine, which is neutral and polar, with serine, which is neutral and polar, at codon 5717 of the SYNE2 protein (p.Thr5717Ser). This variant is present in population databases (rs780666104, gnomAD 0.004%). This variant has not been reported in the literature in individuals affected with SYNE2-related conditions. ClinVar contains an entry for this variant (Variation ID: 2079581). An algorithm developed to predict the effect of missense changes on protein structure and function outputs the following: PolyPhen-2: "Benign". The serine amino acid residue is found in multiple mammalian species, which suggests that this missense change does not adversely affect protein function. In summary, the available evidence is currently insufficient to determine the role of this variant in disease. Therefore, it has been classified as a Variant of Uncertain Significance.

Revvity Omics, Revvity
Classification: Uncertain significance for Emery-Dreifuss muscular dystrophy 5, autosomal dominant. Last evaluated: 2019-05-13. Review status: criteria provided, single submitter. Criteria: ACMG Guidelines, 2015. Collection method: clinical testing. Allele origin: germline.